The following is an entry in ClinVar:

NM_000264.5(PTCH1):c.727T>C (p.Ser243Pro)

Gene: PTCH1 (patched 1; minus strand). Cytogenetic location: 9q22.32.
Variant type: single nucleotide variant.
Coding change: c.727T>C on transcript NM_000264.5 (MANE Select); coding-DNA position 727, T replaced by C.
Protein change: p.Ser243Pro; replaces serine 243 with proline.
Molecular consequence: missense variant. On other transcripts: non-coding transcript variant (1).
Genome position (GRCh38, 1-based): chr9:95,481,968, A>G on the plus strand (T>C on the coding strand, the complement: PTCH1 is on the minus strand). VCF-style: chr9-95481968-A-G. GRCh37 (hg19) VCF-style: chr9-98244250-A-G.
Other names: c.529T>C, p.Ser177Pro (NM_001083602.3, NM_001354919.2); c.724T>C, p.Ser242Pro (NM_001083603.3); c.274T>C, p.Ser92Pro (NM_001083604.3, NM_001083605.3, NM_001083606.3 and 1 more transcripts); c.727T>C, p.Ser243Pro (NM_001354918.2); short protein forms S177P, S243P, S242P, S92P.
Identifiers: ClinVar variation 219707 (VCV000219707.17), dbSNP rs372422922, ClinGen allele CA349701.
Genomic context (GRCh38, chr9:95,481,968, plus strand): 5'-AGAGAAGTCACAGACATCAGAAAGCATGATCACACACTTACAGGAGGTATGCTGTCCCAG[A>G]CTGTAATTTCGCCCCTTCCCAGAAGCAGTCCAAAGGTGTAATAATCAAACAAGGGTAAAG-3'
Protein context (NP_000255.2, residues 233-253): DCFWEGAKLQ[Ser243Pro]GTAYLLGKPP

ClinVar aggregate classification (germline): Conflicting classifications of pathogenicity. Review status: criteria provided, conflicting classifications (1 of 4 stars). 4 submissions from 4 submitters: Uncertain significance (2); Likely benign (2). Last evaluated 2025-11-26.

Conditions:
Hereditary cancer-predisposing syndrome. Also called: Tumor predisposition; Hereditary neoplastic syndrome; Neoplastic Syndromes, Hereditary; Hereditary Cancer Syndrome. Identifiers: Orphanet 140162, MedGen C0027672, MeSH D009386, MONDO:0015356.
Basal cell carcinoma, susceptibility to, 1. Also called: BCC1. Identifiers: MedGen C2751544, MONDO:0011556, OMIM 605462.
Gorlin syndrome. Also called: Nevoid Basal Cell Carcinoma Syndrome; Basal cell nevus syndrome. Identifiers: Orphanet 377, MedGen C0004779, MONDO:0007187.

Allele frequency attached by ClinVar (database versions not stated): gnomAD exomes 0.00001 and 0.00002; ExAC 0.00002; TOPMed 0.00002; gnomAD 0.00003; ESP Exome Variant Server 0.00015.
gnomAD v4.1: 26 of 1,612,666 alleles (0.0016%); highest among the groups gnomAD compares: Non-Finnish European, 0.0022%; no homozygotes.

Submissions (4):

Labcorp Genetics (formerly Invitae), Labcorp
Classification: Likely benign for Gorlin syndrome. Last evaluated: 2025-11-26. Review status: criteria provided, single submitter. Criteria: Invitae Variant Classification Sherloc (09022015). Collection method: clinical testing. Allele origin: germline.

Ambry Genetics
Classification: Likely benign for Hereditary cancer-predisposing syndrome. Last evaluated: 2023-07-05. Review status: criteria provided, single submitter. Criteria: Ambry Variant Classification Scheme 2023. Collection method: clinical testing. Allele origin: germline.

Baylor Genetics
Classification: Uncertain significance for Basal cell carcinoma, susceptibility to, 1. Last evaluated: 2023-05-24. Review status: criteria provided, single submitter. Criteria: ACMG Guidelines, 2015. Collection method: clinical testing. Allele origin: unknown.

Sema4
Classification: Uncertain significance for Hereditary cancer-predisposing syndrome. Last evaluated: 2021-09-30. Review status: criteria provided, single submitter. Criteria: Sema4 Curation Guidelines. Collection method: curation. Allele origin: germline.
Comment: The PTCH1 c.727T>C (p.S243P) variant has been reported in heterozygosity in at least two individuals with adrenocortical carcinoma or acute lymphoblastic leukemia (PMID: 30102335). This variant was observed in 3/129132 chromosomes in the Non-Finnish European (NFE) population, including 1 homozygote, according to the Genome Aggregation Database (PMID: 32461654), and has been reported in ClinVar (Variation ID: 219707). Functional studies have not been performed, and in silico predictions of the variant's effect on protein function are inconclusive. The evidence is insufficient to meet ACMG/AMP criteria for classifying the variant as benign or pathogenic. Thus, the clinical significance of this variant is currently uncertain.

Literature cited by the submitters: PubMed 30102335 (cited by Sema4).